The following is an entry in ClinVar:

NM_000628.5(IL10RB):c.174-1G>A

Genes: IFNAR2-IL10RB (IFNAR2-IL10RB readthrough; plus strand), IL10RB (interleukin 10 receptor subunit beta; plus strand). Cytogenetic location: 21q22.11.
Variant type: single nucleotide variant.
Coding change: c.174-1G>A on transcript NM_000628.5 (MANE Select); the canonical splice acceptor site of the intron before coding-DNA position 174, G replaced by A.
Molecular consequence: splice acceptor variant.
Genome position (GRCh38, 1-based): chr21:33,276,595, G>A. VCF-style: chr21-33276595-G-A. GRCh37 (hg19) VCF-style: chr21-34648900-G-A.
Other names: c.834-1G>A (NM_001414505.1); c.174-1G>A (NM_001405849.1, NM_001405850.1, NM_001406840.1).
Identifiers: ClinVar variation 2699058 (VCV002699058.3), dbSNP rs1989175848, ClinGen allele CA410108630.

ClinVar aggregate classification (germline): Likely pathogenic (1 of 4 stars; one submission).

Conditions:
Inflammatory bowel disease 25. Also called: Inflammatory bowel disease 25, early onset, autosomal recessive. Identifiers: Orphanet 238569, MedGen C2675508, MONDO:0012941, OMIM 612567.

Allele frequency attached by ClinVar (database versions not stated): TOPMed below 0.00001.

Submission:

Labcorp Genetics (formerly Invitae), Labcorp
Classification: Likely pathogenic for Inflammatory bowel disease 25. Last evaluated: 2023-11-25. Review status: criteria provided, single submitter. Criteria: Invitae Variant Classification Sherloc (09022015). Collection method: clinical testing. Allele origin: germline.
Comment: This sequence change affects an acceptor splice site in intron 2 of the IL10RB gene. It is expected to disrupt RNA splicing. Variants that disrupt the donor or acceptor splice site typically lead to a loss of protein function (PMID: 16199547), and loss-of-function variants in IL10RB are known to be pathogenic (PMID: 22549091). This variant is not present in population databases (gnomAD no frequency). This variant has not been reported in the literature in individuals affected with IL10RB-related conditions. Algorithms developed to predict the effect of sequence changes on RNA splicing suggest that this variant may disrupt the consensus splice site. In summary, the currently available evidence indicates that the variant is pathogenic, but additional data are needed to prove that conclusively. Therefore, this variant has been classified as Likely Pathogenic.

Literature cited by the submitters: PubMed 16199547; PubMed 22549091.